The following is an entry in ClinVar:

ClinVar aggregate classification (germline): Pathogenic (1 of 4 stars; one submission).

Submission:

Labcorp Genetics (formerly Invitae), Labcorp
Classification: Pathogenic. Last evaluated: 2023-05-16. Review status: criteria provided, single submitter. Criteria: Invitae Variant Classification Sherloc (09022015). Collection method: clinical testing. Allele origin: germline.
Comment: For these reasons, this variant has been classified as Pathogenic. This sequence change creates a premature translational stop signal (p.Leu406Trpfs*4) in the RORB gene. While this is not anticipated to result in nonsense mediated decay, it is expected to disrupt the last 54 amino acid(s) of the RORB protein. This variant is not present in population databases (gnomAD no frequency). This variant has not been reported in the literature in individuals affected with RORB-related conditions. This variant disrupts a region of the RORB protein in which other variant(s) (p.Pro414Leu) have been determined to be pathogenic (Invitae). This suggests that this is a clinically significant region of the protein, and that variants that disrupt it are likely to be disease-causing.

NM_006914.4(RORB):c.1215del (p.Leu406fs)

Gene: RORB (RAR related orphan receptor B; plus strand). Cytogenetic location: 9q21.13.
Variant type: Deletion.
Coding change: c.1215del on transcript NM_006914.4 (MANE Select); coding-DNA position 1215, one base deleted (C; older notation c.1215delC).
Protein change: p.Leu406fs; shifts the reading frame from leucine 406.
Molecular consequence: frameshift variant.
Genome position (GRCh38, 1-based): chr9:74,671,892, C deleted; the last of 2 consecutive C bases (chr9:74,671,891-74,671,892); deleting either gives the same sequence. VCF-style (leftmost placement, unchanged base first): chr9-74671890-AC-A. GRCh37 (hg19) VCF-style: chr9-77286806-AC-A.
Other names: c.1248del, p.Leu417fs (NM_001365023.1); short protein forms L417fs, L406fs.
Identifiers: ClinVar variation 2864839 (VCV002864839.3), dbSNP rs2489648829, ClinGen allele CA2739269260.